The following is an entry in ClinVar:

ClinVar aggregate classification (germline): Uncertain significance (1 of 4 stars; one submission).

Submission:

Labcorp Genetics (formerly Invitae), Labcorp
Classification: Uncertain significance. Last evaluated: 2022-10-29. Review status: criteria provided, single submitter. Criteria: Invitae Variant Classification Sherloc (09022015). Collection method: clinical testing. Allele origin: germline.
Comment: In summary, the available evidence is currently insufficient to determine the role of this variant in disease. Therefore, it has been classified as a Variant of Uncertain Significance. Advanced modeling of protein sequence and biophysical properties (such as structural, functional, and spatial information, amino acid conservation, physicochemical variation, residue mobility, and thermodynamic stability) performed at Invitae indicates that this missense variant is not expected to disrupt DNA2 protein function. This variant has not been reported in the literature in individuals affected with DNA2-related conditions. This variant is not present in population databases (gnomAD no frequency). This sequence change replaces asparagine, which is neutral and polar, with isoleucine, which is neutral and non-polar, at codon 855 of the DNA2 protein (p.Asn855Ile).

NM_001080449.3(DNA2):c.2564A>T (p.Asn855Ile)

Gene: DNA2 (DNA replication helicase/nuclease 2; minus strand). Cytogenetic location: 10q21.3.
Variant type: single nucleotide variant.
Coding change: c.2564A>T on transcript NM_001080449.3 (MANE Select); coding-DNA position 2564, A replaced by T.
Protein change: p.Asn855Ile; replaces asparagine 855 with isoleucine.
Molecular consequence: missense variant. On other transcripts: non-coding transcript variant (1).
Genome position (GRCh38, 1-based): chr10:68,422,358, T>A on the plus strand (A>T on the coding strand, the complement: DNA2 is on the minus strand). VCF-style: chr10-68422358-T-A. GRCh37 (hg19) VCF-style: chr10-70182115-T-A.
Other names: short protein forms N855I.
Identifiers: ClinVar variation 2810650 (VCV002810650.3), dbSNP rs766405483, ClinGen allele CA376845825.